The following is an entry in ClinVar:

ClinVar aggregate classification (germline): Uncertain significance. Review status: criteria provided, multiple submitters, no conflicts (2 of 4 stars). 3 submissions from 3 submitters: Uncertain significance (3). Last evaluated 2024-05-28.

Conditions:
ALG1-congenital disorder of glycosylation. Also called: ALG1-CDG; CONGENITAL DISORDER OF GLYCOSYLATION, TYPE Ik; CDG Ik. Identifiers: Orphanet 79327, MedGen C2931005, MONDO:0012052, OMIM 608540.

Allele frequency attached by ClinVar (database versions not stated): gnomAD 0.00002 and 0.00003; TOPMed 0.00002; gnomAD exomes 0.00003.
gnomAD v4.1: 45 of 1,596,442 alleles (0.0028%); highest among the groups gnomAD compares: East Asian, 0.027%; no homozygotes.

Submissions (3):

GeneDx
Classification: Uncertain significance. Last evaluated: 2024-05-28. Review status: criteria provided, single submitter. Criteria: GeneDx Variant Classification Process June 2021. Collection method: clinical testing. Allele origin: germline. Affected: yes.
Comment: Not observed at a significant frequency in large population cohorts (gnomAD); In silico analysis supports that this missense variant has a deleterious effect on protein structure/function; Has not been previously published as pathogenic or benign to our knowledge

Fulgent Genetics
Classification: Uncertain significance for ALG1-congenital disorder of glycosylation. Last evaluated: 2024-05-25. Review status: criteria provided, single submitter. Criteria: ACMG Guidelines, 2015. Collection method: clinical testing. Allele origin: germline.

Labcorp Genetics (formerly Invitae), Labcorp
Classification: Uncertain significance for ALG1-congenital disorder of glycosylation. Last evaluated: 2022-04-03. Review status: criteria provided, single submitter. Criteria: Invitae Variant Classification Sherloc (09022015). Collection method: clinical testing. Allele origin: germline.
Comment: This sequence change replaces arginine, which is basic and polar, with tryptophan, which is neutral and slightly polar, at codon 442 of the ALG1 protein (p.Arg442Trp). The frequency data for this variant in the population databases is considered unreliable, as metrics indicate poor data quality at this position in the gnomAD database. This variant has not been reported in the literature in individuals affected with ALG1-related conditions. Algorithms developed to predict the effect of missense changes on protein structure and function are either unavailable or do not agree on the potential impact of this missense change (SIFT: "Deleterious"; PolyPhen-2: "Possibly Damaging"; Align-GVGD: "Class C15"). In summary, the available evidence is currently insufficient to determine the role of this variant in disease. Therefore, it has been classified as a Variant of Uncertain Significance.

NM_019109.5(ALG1):c.1324C>T (p.Arg442Trp)

Genes: ALG1 (ALG1 chitobiosyldiphosphodolichol beta-mannosyltransferase; plus strand), EEF2KMT (eukaryotic elongation factor 2 lysine methyltransferase; minus strand). Cytogenetic location: 16p13.3.
Variant type: single nucleotide variant.
Coding change: c.1324C>T on transcript NM_019109.5 (MANE Select); coding-DNA position 1324, C replaced by T.
Protein change: p.Arg442Trp; replaces arginine 442 with tryptophan.
Molecular consequence: missense variant. On other transcripts: 3 prime UTR variant (3).
Genome position (GRCh38, 1-based): chr16:5,084,810, C>T. VCF-style: chr16-5084810-C-T. GRCh37 (hg19) VCF-style: chr16-5134811-C-T.
Other names: c.*822G>A (NM_001289029.2, NM_201400.4, NM_201598.4); c.991C>T, p.Arg331Trp (NM_001330504.2); short protein forms R442W, R331W.
Identifiers: ClinVar variation 1475548 (VCV001475548.8), dbSNP rs764363207, ClinGen allele CA7890335.